The following is an entry in ClinVar:

ClinVar aggregate classification (germline): Pathogenic (1 of 4 stars; one submission).

Conditions:
Vanishing white matter disease. Also called: CACH syndrome; Childhood ataxia with diffuse central nervous system hypomyelination; Leukoencephalopathy with vanishing white matter; CACH/VWM syndrome; Cree leukoencehalopathy. Identifiers: Orphanet 135, Orphanet 99853, MedGen C1858991, MONDO:0800448.

Allele frequency attached by ClinVar (database versions not stated): gnomAD exomes below 0.00001.
gnomAD v4.1: 1 of 1,614,042 alleles (0.000062%); highest among the groups gnomAD compares: Non-Finnish European, 0.000085%; no homozygotes.

Submission:

Baylor Genetics
Classification: Pathogenic for Leukoencephalopathy with vanishing white matter 1. Last evaluated: 2019-11-07. Review status: criteria provided, single submitter. Criteria: ACMG Guidelines, 2015. Collection method: clinical testing. Allele origin: unknown. Affected: yes.
Comment: This variant was determined to be pathogenic according to ACMG Guidelines, 2015 [PMID:25741868].

NM_014239.4(EIF2B2):c.94G>T (p.Glu32Ter)

Gene: EIF2B2 (eukaryotic translation initiation factor 2B subunit beta; plus strand). Cytogenetic location: 14q24.3.
Variant type: single nucleotide variant.
Coding change: c.94G>T on transcript NM_014239.4 (MANE Select); coding-DNA position 94, G replaced by T.
Protein change: p.Glu32Ter; replaces glutamic acid 32 with a stop codon.
Molecular consequence: nonsense.
Genome position (GRCh38, 1-based): chr14:75,003,084, G>T. VCF-style: chr14-75003084-G-T. GRCh37 (hg19) VCF-style: chr14-75469787-G-T.
Other names: short protein forms E32*.
Identifiers: ClinVar variation 1030309 (VCV001030309.1), dbSNP rs957633719, ClinGen allele CA263653341.